The following is an entry in ClinVar:

ClinVar aggregate classification (germline): Benign/Likely benign. Review status: criteria provided, multiple submitters, no conflicts (2 of 4 stars). 4 submissions from 4 submitters: Benign (2); Likely benign (1). 1 of the submissions does not count toward it. Last evaluated 2026-01-22.

Conditions:
CARMIL2-related disorder. Also called: CARMIL2-related condition.

Allele frequency attached by ClinVar (database versions not stated): gnomAD exomes 0.00052; ExAC 0.00057; 1000 Genomes Project 0.00120; ESP Exome Variant Server 0.00120; gnomAD 0.00131 and 0.00139; 1000 Genomes Project 30x 0.00141; TOPMed 0.00152.
gnomAD v4.1: 673 of 1,613,328 alleles (0.042%); highest among the groups gnomAD compares: African/African-American, 0.43%; 4 homozygotes.

Submissions (4):

Labcorp Genetics (formerly Invitae), Labcorp
Classification: Benign. Last evaluated: 2026-01-22. Review status: criteria provided, single submitter. Criteria: Invitae Variant Classification Sherloc (09022015). Collection method: clinical testing. Allele origin: germline.

Blueprint Genetics
Classification: Likely benign. Last evaluated: 2024-09-12. Review status: criteria provided, single submitter. Criteria: ACMG Guidelines, 2015. Collection method: clinical testing. Allele origin: germline.

Breakthrough Genomics
Classification: Benign. Review status: criteria provided, single submitter. Criteria: ACMG Guidelines, 2015. Collection method: not provided. Allele origin: germline. Inheritance: Autosomal recessive inheritance. Affected: yes.

PreventionGenetics, part of Exact Sciences
Classification: Likely benign for CARMIL2-related condition. Last evaluated: 2023-11-29. Review status: no assertion criteria provided. Collection method: clinical testing. Allele origin: germline. Not counted in ClinVar's aggregate classification.
Comment: This variant is classified as likely benign based on ACMG/AMP sequence variant interpretation guidelines (Richards et al. 2015 PMID: 25741868, with internal and published modifications).

NM_001013838.3(CARMIL2):c.366G>A (p.Ser122=)

Gene: CARMIL2 (capping protein regulator and myosin 1 linker 2; plus strand). Cytogenetic location: 16q22.1.
Variant type: single nucleotide variant.
Coding change: c.366G>A on transcript NM_001013838.3 (MANE Select); coding-DNA position 366, G replaced by A.
Protein change: p.Ser122=; no amino-acid change (serine 122 retained).
Molecular consequence: synonymous variant.
Genome position (GRCh38, 1-based): chr16:67,646,302, G>A. VCF-style: chr16-67646302-G-A. GRCh37 (hg19) VCF-style: chr16-67680205-G-A.
Other names: c.366G>A, p.Ser122= (NM_001317026.3); c.366G>A (NM_001013838.1).
Identifiers: ClinVar variation 1170603 (VCV001170603.13), dbSNP rs201066611, ClinGen allele CA8113028.